The following is an entry in ClinVar:

ClinVar aggregate classification (germline): Uncertain significance (1 of 4 stars; one submission).

Conditions:
GM3 synthase deficiency (SPDRS). Also called: SALT AND PEPPER MENTAL RETARDATION SYNDROME; SALT AND PEPPER DEVELOPMENTAL REGRESSION SYNDROME; AMISH INFANTILE EPILEPSY SYNDROME. Identifiers: Orphanet 171714, Orphanet 370933, MedGen C1836824, MONDO:0018274, OMIM 609056.

Allele frequency attached by ClinVar (database versions not stated): gnomAD exomes 0.00001.
gnomAD v4.1: 7 of 1,613,920 alleles (0.00043%); highest among the groups gnomAD compares: Non-Finnish European, 0.00059%; no homozygotes.

Submission:

Labcorp Genetics (formerly Invitae), Labcorp
Classification: Uncertain significance for GM3 synthase deficiency. Last evaluated: 2022-04-28. Review status: criteria provided, single submitter. Criteria: Invitae Variant Classification Sherloc (09022015). Collection method: clinical testing. Allele origin: germline.
Comment: This sequence change replaces methionine, which is neutral and non-polar, with isoleucine, which is neutral and non-polar, at codon 277 of the ST3GAL5 protein (p.Met277Ile). This variant is not present in population databases (gnomAD no frequency). This variant has not been reported in the literature in individuals affected with ST3GAL5-related conditions. ClinVar contains an entry for this variant (Variation ID: 566048). Algorithms developed to predict the effect of missense changes on protein structure and function (SIFT, PolyPhen-2, Align-GVGD) all suggest that this variant is likely to be tolerated. In summary, the available evidence is currently insufficient to determine the role of this variant in disease. Therefore, it has been classified as a Variant of Uncertain Significance.

NM_003896.4(ST3GAL5):c.831G>A (p.Met277Ile)

Gene: ST3GAL5 (ST3 beta-galactoside alpha-2,3-sialyltransferase 5; minus strand). Cytogenetic location: 2p11.2.
Variant type: single nucleotide variant.
Coding change: c.831G>A on transcript NM_003896.4 (MANE Select); coding-DNA position 831, G replaced by A.
Protein change: p.Met277Ile; replaces methionine 277 with isoleucine.
Molecular consequence: missense variant.
Genome position (GRCh38, 1-based): chr2:85,846,395, C>T on the plus strand (G>A on the coding strand, the complement: ST3GAL5 is on the minus strand). VCF-style: chr2-85846395-C-T. GRCh37 (hg19) VCF-style: chr2-86073518-C-T.
Other names: c.762G>A, p.Met254Ile (NM_001042437.2); c.447G>A, p.Met149Ile (NM_001354223.2, NM_001354224.2, NM_001354226.2 and 3 more transcripts); c.747G>A, p.Met249Ile (NM_001354227.2, NM_001354229.2, NM_001354238.1); c.108G>A, p.Met36Ile (NM_001354247.1); c.831G>A, p.Met277Ile (NM_001363847.1); short protein forms M277I, M149I, M254I, M36I, M249I.
Identifiers: ClinVar variation 566048 (VCV000566048.8), dbSNP rs751569436, ClinGen allele CA51329160.